The following is an entry in ClinVar:

ClinVar aggregate classification (germline): Uncertain significance (1 of 4 stars; one submission).

Submission:

Labcorp Genetics (formerly Invitae), Labcorp
Classification: Uncertain significance. Last evaluated: 2023-08-10. Review status: criteria provided, single submitter. Criteria: Invitae Variant Classification Sherloc (09022015). Collection method: clinical testing. Allele origin: germline.
Comment: This variant has not been reported in the literature in individuals affected with HTT-related conditions. In summary, the available evidence is currently insufficient to determine the role of this variant in disease. Therefore, it has been classified as a Variant of Uncertain Significance. Experimental studies and prediction algorithms are not available or were not evaluated, and the functional significance of this variant is currently unknown. ClinVar contains an entry for this variant (Variation ID: 1440532). This variant is present in population databases (no rsID available, gnomAD 0.005%). This variant, c.2135_2136delinsCT, is a complex sequence change that results in the deletion of 1 and insertion of 1 amino acid(s) in the HTT protein (p.Ser712Thr).

NM_001388492.1(HTT):c.2129_2130delinsCT (p.Ser710Thr)

Gene: HTT (huntingtin; plus strand). Cytogenetic location: 4p16.3.
Variant type: Indel.
Coding change: c.2129_2130delinsCT on transcript NM_001388492.1 (MANE Select); coding-DNA positions 2129 to 2130, GC replaced by CT.
Protein change: p.Ser710Thr; replaces serine 710 with threonine.
Molecular consequence: missense variant.
Genome position (GRCh38, 1-based): chr4:3,131,668-3,131,669, GC replaced by CT. VCF-style: chr4-3131668-GC-CT. GRCh37 (hg19) VCF-style: chr4-3133395-GC-CT.
Other names: c.2135_2136delinsCT, p.Ser712Thr (NM_002111.8); short protein forms S710T, S712T.
Identifiers: ClinVar variation 1440532 (VCV001440532.8), dbSNP rs2110188887, ClinGen allele CA2573137549.
Genomic context (GRCh38, chr4:3,131,668, plus strand): 5'-CTGAAGGTGGCTTGGGTGATTTCTTGGCAGTGCTGGTTCCGGACAGGGATGTGAGGGTCA[GC>CT]GTGAAGGCCCTGGCCCTCAGCTGTGTGGGAGCAGCTGTGGCCCTCCACCCGGAATCTTTC-3'
Protein context (NP_001375421.1, residues 700-720): VLVPDRDVRV[Ser710Thr]VKALALSCVG